The following is an entry in ClinVar:

ClinVar aggregate classification (germline): Uncertain significance. Review status: criteria provided, multiple submitters, no conflicts (2 of 4 stars). 2 submissions from 2 submitters: Uncertain significance (2). Last evaluated 2025-09-10.

Conditions:
Hereditary breast ovarian cancer syndrome. Also called: Hereditary breast and ovarian cancer syndrome; Hereditary breast and ovarian cancer; Hereditary breast and ovarian cancer syndrome (HBOC); Hereditary breast and/or ovarian cancer syndrome; Breast and ovarian cancer; BRCA1- and BRCA2-Associated Hereditary Breast and Ovarian Cancer. Identifiers: Orphanet 145, MedGen C0677776, MeSH D061325, MONDO:0003582. Disease mechanism: loss of function.

Submissions (2):

Labcorp Genetics (formerly Invitae), Labcorp
Classification: Uncertain significance for Hereditary breast ovarian cancer syndrome. Last evaluated: 2025-09-10. Review status: criteria provided, single submitter. Criteria: Invitae Variant Classification Sherloc (09022015). Collection method: clinical testing. Allele origin: germline.
Comment: This sequence change replaces leucine, which is neutral and non-polar, with valine, which is neutral and non-polar, at codon 1091 of the BRCA2 protein (p.Leu1091Val). This variant is not present in population databases (gnomAD no frequency). This variant has not been reported in the literature in individuals affected with BRCA2-related conditions. ClinVar contains an entry for this variant (Variation ID: 3600919). Invitae Evidence Modeling of protein sequence and biophysical properties (such as structural, functional, and spatial information, amino acid conservation, physicochemical variation, residue mobility, and thermodynamic stability) indicates that this missense variant is not expected to disrupt BRCA2 protein function with a negative predictive value of 95%. In summary, the available evidence is currently insufficient to determine the role of this variant in disease. Therefore, it has been classified as a Variant of Uncertain Significance.

GeneDx
Classification: Uncertain significance. Last evaluated: 2024-07-22. Review status: criteria provided, single submitter. Criteria: GeneDx Variant Classification Process June 2021. Collection method: clinical testing. Allele origin: germline. Affected: yes.
Comment: Not observed at significant frequency in large population cohorts (gnomAD); In silico analysis indicates that this missense variant does not alter protein structure/function; Has not been previously published as pathogenic or benign to our knowledge; Also known as 3499T>G

NM_000059.4(BRCA2):c.3271T>G (p.Leu1091Val)

Gene: BRCA2 (BRCA2 DNA repair associated; plus strand). Cytogenetic location: 13q13.1.
Variant type: single nucleotide variant.
Coding change: c.3271T>G on transcript NM_000059.4 (MANE Select); coding-DNA position 3271, T replaced by G.
Protein change: p.Leu1091Val; replaces leucine 1091 with valine.
Molecular consequence: missense variant. On other transcripts: non-coding transcript variant (1), intron variant (2).
Genome position (GRCh38, 1-based): chr13:32,337,626, T>G. VCF-style: chr13-32337626-T-G. GRCh37 (hg19) VCF-style: chr13-32911763-T-G.
Other names: c.3271T>G, p.Leu1091Val (NM_001406719.1, NM_001406720.1, NM_001432077.1); c.1909+4239T>G (NM_001406721.1); c.424+6596T>G (NM_001406722.1); short protein forms L1091V.
Identifiers: ClinVar variation 3600919 (VCV003600919.2).